The following is an entry in ClinVar:

ClinVar aggregate classification (germline): Uncertain significance (1 of 4 stars; one submission).

gnomAD v4.1: 1 of 1,613,930 alleles (0.000062%); highest among the groups gnomAD compares: Admixed American, 0.0017%; no homozygotes.

Submission:

GeneDx
Classification: Uncertain significance. Last evaluated: 2026-02-02. Review status: criteria provided, single submitter. Criteria: GeneDx Variant Classification Process June 2021. Collection method: clinical testing. Allele origin: germline.
Comment: Not observed at significant frequency in large population cohorts (gnomAD); In silico analysis supports that this missense variant has a deleterious effect on protein structure/function; Has not been previously published as pathogenic or benign to our knowledge

NM_001037333.3(CYFIP2):c.3670T>C (p.Tyr1224His)

Genes: CYFIP2 (cytoplasmic FMR1 interacting protein 2; plus strand), NIPAL4-DT (NIPAL4 divergent transcript; minus strand). Cytogenetic location: 5q33.3.
Variant type: single nucleotide variant.
Coding change: c.3670T>C on transcript NM_001037333.3 (MANE Select); coding-DNA position 3670, T replaced by C.
Protein change: p.Tyr1224His; replaces tyrosine 1224 with histidine.
Molecular consequence: missense variant.
Genome position (GRCh38, 1-based): chr5:157,392,908, T>C. VCF-style: chr5-157392908-T-C. GRCh37 (hg19) VCF-style: chr5-156819916-T-C.
Other names: c.3592T>C, p.Tyr1198His (NM_001291721.2); c.3745T>C, p.Tyr1249His (NM_001291722.2); c.3670T>C, p.Tyr1224His (NM_014376.4); short protein forms Y1198H, Y1224H, Y1249H.
Identifiers: ClinVar variation 4975972 (VCV004975972.1).